The following is an entry in ClinVar:

ClinVar aggregate classification (germline): Uncertain significance (1 of 4 stars; one submission).

Allele frequency attached by ClinVar (database versions not stated): gnomAD exomes below 0.00001; ExAC 0.00001; gnomAD 0.00001; 1000 Genomes Project 30x 0.00016; 1000 Genomes Project 0.00020.
gnomAD v4.1: 3 of 1,614,214 alleles (0.00019%); highest among the groups gnomAD compares: East Asian, 0.0045%; no homozygotes.

Submission:

Labcorp Genetics (formerly Invitae), Labcorp
Classification: Uncertain significance. Last evaluated: 2025-05-27. Review status: criteria provided, single submitter. Criteria: Invitae Variant Classification Sherloc (09022015). Collection method: clinical testing. Allele origin: germline.
Comment: This sequence change replaces aspartic acid, which is acidic and polar, with glycine, which is neutral and non-polar, at codon 728 of the JAK1 protein (p.Asp728Gly). This variant is present in population databases (rs530773982, gnomAD 0.006%). This variant has not been reported in the literature in individuals affected with JAK1-related conditions. ClinVar contains an entry for this variant (Variation ID: 1524578). Invitae Evidence Modeling of protein sequence and biophysical properties (such as structural, functional, and spatial information, amino acid conservation, physicochemical variation, residue mobility, and thermodynamic stability) indicates that this missense variant is not expected to disrupt JAK1 protein function with a negative predictive value of 80%. In summary, the available evidence is currently insufficient to determine the role of this variant in disease. Therefore, it has been classified as a Variant of Uncertain Significance.

NM_002227.4(JAK1):c.2183A>G (p.Asp728Gly)

Gene: JAK1 (Janus kinase 1; minus strand). Cytogenetic location: 1p31.3.
Variant type: single nucleotide variant.
Coding change: c.2183A>G on transcript NM_002227.4 (MANE Select); coding-DNA position 2183, A replaced by G.
Protein change: p.Asp728Gly; replaces aspartic acid 728 with glycine.
Molecular consequence: missense variant.
Genome position (GRCh38, 1-based): chr1:64,844,822, T>C on the plus strand (A>G on the coding strand, the complement: JAK1 is on the minus strand). VCF-style: chr1-64844822-T-C. GRCh37 (hg19) VCF-style: chr1-65310505-T-C.
Other names: c.2183A>G, p.Asp728Gly (NM_001320923.2, NM_001321852.2, NM_001321853.2 and 3 more transcripts); c.2180A>G, p.Asp727Gly (NM_001321857.2); short protein forms D727G, D728G.
Identifiers: ClinVar variation 1524578 (VCV001524578.8), dbSNP rs530773982, ClinGen allele CA892729.